The following is an entry in ClinVar:

NM_000202.8(IDS):c.662T>C (p.Leu221Pro)

Genes: IDS (iduronate 2-sulfatase; minus strand), LOC106050102 (IDS recombination region; plus strand). Cytogenetic location: Xq28.
Variant type: single nucleotide variant.
Coding change: c.662T>C on transcript NM_000202.8 (MANE Select); coding-DNA position 662, T replaced by C.
Protein change: p.Leu221Pro; replaces leucine 221 with proline.
Molecular consequence: missense variant. On other transcripts: non-coding transcript variant (1).
Genome position (GRCh38, 1-based): chrX:149,498,153, A>G on the plus strand (T>C on the coding strand, the complement: IDS is on the minus strand). VCF-style: chrX-149498153-A-G. GRCh37 (hg19) VCF-style: chrX-148579684-A-G.
Other names: c.392T>C, p.Leu131Pro (NM_001166550.4); c.662T>C, p.Leu221Pro (NM_006123.5); short protein forms L131P, L221P.
Identifiers: ClinVar variation 3255789 (VCV003255789.2).

ClinVar aggregate classification (germline): Likely pathogenic (1 of 4 stars; one submission).

Conditions:
Mucopolysaccharidosis, MPS-II (MPS2). Also called: Hunter Syndrome; IDURONATE 2-SULFATASE DEFICIENCY; Mucopolysaccharidosis Type II; Mucopolysaccharidosis type 2; Attenuated MPS (subtype; formerly known as mild MPS II); Severe MPS II. Identifiers: Orphanet 580, Orphanet 79388, MedGen C0026705, MONDO:0010674, OMIM 309900.

Submission:

Laboratory of Diagnosis and Therapy of Lysosomal Disorders, University of Padova
Classification: Likely pathogenic for Mucopolysaccharidosis, MPS-II. Last evaluated: 2024-06-07. Review status: criteria provided, single submitter. Criteria: ACMG Guidelines, 2015. Collection method: literature only. Allele origin: germline. Affected: yes. Observed: 3 variant alleles.
Comment: Absent from controls (or at low frequency) in gnomAD database (PM2_Moderate), Missense variant in a gene with a low rate of benign missense variation (PP2_Supporting), Multiple lines of computational evidence support a deleterious effect (PP3_Supporting), Patient’s phenotype or family history highly specific for the disease (PP4_Strong)

Classification method: ACMG Guidelines [PMID:25741868] with modifications

Literature cited by the submitters: PubMed 8281149; PubMed 8111411; PubMed 7887413.